The following is an entry in ClinVar:

NM_003477.2(PDHX):c.-506T>C

Genes: APIP (APAF1 interacting protein; minus strand), PDHX (pyruvate dehydrogenase complex component X; plus strand), LOC130005547 (ATAC-STARR-seq lymphoblastoid silent region 3253; plus strand). Cytogenetic location: 11p13.
Variant type: single nucleotide variant.
Coding change: c.-506T>C on transcript NM_003477.2; 506 bases upstream of the start codon, T replaced by C.
Molecular consequence: intron variant (on NM_015957.4).
Genome position (GRCh38, 1-based): chr11:34,916,150, T>C. VCF-style: chr11-34916150-T-C. GRCh37 (hg19) VCF-style: chr11-34937697-T-C.
Other names: c.57+78A>G (NM_015957.4).
Identifiers: ClinVar variation 304443 (VCV000304443.9), dbSNP rs2016814, ClinGen allele CA10634706.

ClinVar aggregate classification (germline): Benign. Review status: criteria provided, multiple submitters, no conflicts (2 of 4 stars). 3 submissions from 3 submitters: Benign (3). Last evaluated 2018-06-23.

Conditions:
Pyruvate dehydrogenase E3-binding protein deficiency (PDHXD). Also called: E3-Binding Protein (Component X) Deficiency; LACTIC ACIDEMIA DUE TO DEFECT IN LIPOYL-CONTAINING COMPONENT X OF THE PYRUVATE DEHYDROGENASE COMPLEX; Lacticacidemia due to PDX1 deficiency; PYRUVATE HYDROGENASE E3-BINDING PROTEIN DEFICIENCY. Identifiers: Orphanet 255182, MedGen C1855553, MONDO:0009503, OMIM 245349.

Allele frequency attached by ClinVar (database versions not stated): TOPMed 0.78798; 1000 Genomes Project 0.77216; 1000 Genomes Project 30x 0.77217.
gnomAD v4.1: 1,225,292 of 1,543,634 alleles (79%); highest among the groups gnomAD compares: East Asian, 82%; 487,612 homozygotes.

Submissions (3):

GeneDx
Classification: Benign. Last evaluated: 2018-06-23. Review status: criteria provided, single submitter. Criteria: GeneDx Variant Classification Process June 2021. Collection method: clinical testing. Allele origin: germline. Affected: yes.

Illumina Laboratory Services, Illumina
Classification: Benign for Pyruvate dehydrogenase E3-binding protein deficiency. Last evaluated: 2018-01-12. Review status: criteria provided, single submitter. Criteria: ICSL Variant Classification Criteria 13 December 2019. Collection method: clinical testing. Allele origin: germline.
Comment: This variant was observed in the ICSL laboratory as part of a predisposition screen in an ostensibly healthy population. It had not been previously curated by ICSL or reported in the Human Gene Mutation Database (HGMD: prior to June 1st, 2018), and was therefore a candidate for classification through an automated scoring system. Utilizing variant allele frequency, disease prevalence and penetrance estimates, and inheritance mode, an automated score was calculated to assess if this variant is too frequent to cause the disease. Based on the score and internal cut-off values, a variant classified as benign is not then subjected to further curation. The score for this variant resulted in a classification of benign for this disease.

Breakthrough Genomics
Classification: Benign. Review status: criteria provided, single submitter. Criteria: ACMG Guidelines, 2015. Collection method: not provided. Allele origin: germline. Inheritance: Unknown mechanism. Affected: yes.